The following is an entry in ClinVar:

NM_000051.4(ATM):c.50_51del (p.His17fs)

Gene: ATM (ATM serine/threonine kinase; plus strand). Cytogenetic location: 11q22.3.
Variant type: Deletion.
Coding change: c.50_51del on transcript NM_000051.4 (MANE Select); coding-DNA positions 50 to 51, 2 bases deleted (AT; older notation c.50_51delAT).
Protein change: p.His17fs; shifts the reading frame from histidine 17.
Molecular consequence: frameshift variant.
Genome position (GRCh38, 1-based): chr11:108,227,674-108,227,675, AT deleted. VCF-style (leftmost placement, unchanged base first): chr11-108227673-CAT-C. GRCh37 (hg19) VCF-style: chr11-108098400-CAT-C.
Other names: c.50_51del, p.His17fs (NM_001351834.2, NM_001351835.2, NM_001351836.2); c.50_51delAT (NM_000051.3); c.50_51del (NM_000051.3); short protein forms H17fs.
Identifiers: ClinVar variation 662558 (VCV000662558.9), dbSNP rs775561876, ClinGen allele CA6264502.
Genomic context (GRCh38, chr11:108,227,673, plus strand): 5'-AAATTGTGAACCATGAGTCTAGTACTTAATGATCTGCTTATCTGCTGCCGTCAACTAGAA[CAT>C]GATAGAGCTACAGAACGAAAGGTAGTAAATTACTTAAATTCAATTTTTCCTTGAAATAAG-3'

ClinVar aggregate classification (germline): Pathogenic/Likely pathogenic. Review status: criteria provided, multiple submitters, no conflicts (2 of 4 stars). 3 submissions from 3 submitters: Pathogenic (2); Likely pathogenic (1). Last evaluated 2025-05-29.

Conditions:
Ataxia-telangiectasia syndrome (AT). Also called: Ataxia-telangiectasia, complementation group D; AT, COMPLEMENTATION GROUP C; Ataxia telangiectasia (A-T); Cerebello-oculocutaneous telangiectasia; Immunodeficiency with ataxia telangiectasia; ATAXIA-TELANGIECTASIA, COMPLEMENTATION GROUP A. Identifiers: Orphanet 100, MedGen C0004135, MONDO:0008840, OMIM 208900.
Familial cancer of breast. Also called: Hereditary breast cancer; BREAST CANCER, FAMILIAL; hereditary breast carcinoma. Identifiers: Orphanet 227535, MedGen C0346153, MONDO:0016419, OMIM 114480. Disease mechanism: loss of function.

Allele frequency attached by ClinVar (database versions not stated): gnomAD exomes below 0.00001; ExAC 0.00001.

Submissions (3):

Natera, Inc.
Classification: Likely pathogenic for Ataxia-telangiectasia. Last evaluated: 2025-05-29. Review status: criteria provided, single submitter. Criteria: Natera Variant Classification Schema (03/2026). Collection method: clinical testing. Allele origin: germline.
Comment: The c.50_51del variant in ATM is a frameshift variant predicted to shift the reading frame beginning at codon 17 and leads to a stop codon 2 codons downstream. This variant is expected to result in nonsense mediated decay, truncation, or a dysfunctional protein product. This variant is rare in the general population with a frequency below the threshold expected for the associated phenotype(s). Given the available evidence, this variant is classified as Likely Pathogenic.

Labcorp Genetics (formerly Invitae), Labcorp
Classification: Pathogenic for Ataxia-telangiectasia syndrome. Last evaluated: 2025-04-21. Review status: criteria provided, single submitter. Criteria: Invitae Variant Classification Sherloc (09022015). Collection method: clinical testing. Allele origin: germline.
Comment: This sequence change creates a premature translational stop signal (p.His17Argfs*2) in the ATM gene. It is expected to result in an absent or disrupted protein product. Loss-of-function variants in ATM are known to be pathogenic (PMID: 23807571, 25614872). This variant is present in population databases (rs775561876, gnomAD 0.0009%). This variant has not been reported in the literature in individuals affected with ATM-related conditions. ClinVar contains an entry for this variant (Variation ID: 662558). Algorithms developed to predict the effect of sequence changes on RNA splicing suggest that this variant may disrupt the consensus splice site. For these reasons, this variant has been classified as Pathogenic.

Myriad Genetics, Inc.
Classification: Pathogenic for Familial cancer of breast. Last evaluated: 2024-01-05. Review status: criteria provided, single submitter. Criteria: Myriad Autosomal Dominant, Autosomal Recessive and X-Linked Classification Criteria (2023). Collection method: clinical testing. Allele origin: unknown.
Comment: This variant is considered pathogenic. This variant creates a frameshift predicted to result in premature protein truncation.

Literature cited by the submitters: PubMed 23807571 (cited by Labcorp Genetics (formerly Invitae), Labcorp); PubMed 25614872 (cited by Labcorp Genetics (formerly Invitae), Labcorp).